The following is an entry in ClinVar:

ClinVar aggregate classification (germline): Uncertain significance. Review status: criteria provided, multiple submitters, no conflicts (2 of 4 stars). 3 submissions from 3 submitters: Uncertain significance (3). Last evaluated 2024-06-20.

Conditions:
Isolated cryptophthalmia. Also called: Cryptophthalmos, unilateral or bilateral, isolated; ANKYLOBLEPHARON, SIMPLE. Identifiers: Orphanet 91396, MedGen C1852453, MONDO:0007410, OMIM 123570.
Fraser syndrome 2 (FRASRS2). Identifiers: MedGen C4540036, MONDO:0054738, OMIM 617666.
Inborn genetic diseases. Identifiers: MedGen C0950123, MeSH D030342.

Allele frequency attached by ClinVar (database versions not stated): TOPMed 0.00001; gnomAD 0.00007; ExAC 0.00008.
gnomAD v4.1: 65 of 1,613,714 alleles (0.004%); highest among the groups gnomAD compares: South Asian, 0.026%; 1 homozygote.

Submissions (3):

Fulgent Genetics
Classification: Uncertain significance for Isolated cryptophthalmia; Fraser syndrome 2. Last evaluated: 2024-06-20. Review status: criteria provided, single submitter. Criteria: ACMG Guidelines, 2015. Collection method: clinical testing. Allele origin: germline.

Labcorp Genetics (formerly Invitae), Labcorp
Classification: Uncertain significance. Last evaluated: 2022-02-28. Review status: criteria provided, single submitter. Criteria: Invitae Variant Classification Sherloc (09022015). Collection method: clinical testing. Allele origin: germline.
Comment: This sequence change replaces serine, which is neutral and polar, with leucine, which is neutral and non-polar, at codon 3019 of the FREM2 protein (p.Ser3019Leu). This variant is present in population databases (rs751915292, gnomAD 0.04%). This variant has not been reported in the literature in individuals affected with FREM2-related conditions. Algorithms developed to predict the effect of missense changes on protein structure and function are either unavailable or do not agree on the potential impact of this missense change (SIFT: "Deleterious"; PolyPhen-2: "Probably Damaging"; Align-GVGD: "Class C0"). In summary, the available evidence is currently insufficient to determine the role of this variant in disease. Therefore, it has been classified as a Variant of Uncertain Significance.

Ambry Genetics
Classification: Uncertain significance for Inborn genetic diseases. Last evaluated: 2022-01-04. Review status: criteria provided, single submitter. Criteria: Ambry Variant Classification Scheme 2023. Collection method: clinical testing. Allele origin: germline.

NM_207361.6(FREM2):c.9056C>T (p.Ser3019Leu)

Gene: FREM2 (FRAS1 related extracellular matrix 2; plus strand). Cytogenetic location: 13q13.3.
Variant type: single nucleotide variant.
Coding change: c.9056C>T on transcript NM_207361.6 (MANE Select); coding-DNA position 9056, C replaced by T.
Protein change: p.Ser3019Leu; replaces serine 3019 with leucine.
Molecular consequence: missense variant.
Genome position (GRCh38, 1-based): chr13:38,880,333, C>T. VCF-style: chr13-38880333-C-T. GRCh37 (hg19) VCF-style: chr13-39454470-C-T.
Other names: c.9056C>T (NM_207361.4); short protein forms S3019L.
Identifiers: ClinVar variation 2191939 (VCV002191939.3), dbSNP rs751915292, ClinGen allele CA6956301.